The following is an entry in ClinVar:

NM_032608.7(MYO18B):c.3167G>A (p.Arg1056His)

Gene: MYO18B (myosin XVIIIB; plus strand). Cytogenetic location: 22q12.1.
Variant type: single nucleotide variant.
Coding change: c.3167G>A on transcript NM_032608.7 (MANE Select); coding-DNA position 3167, G replaced by A.
Protein change: p.Arg1056His; replaces arginine 1056 with histidine.
Molecular consequence: missense variant.
Genome position (GRCh38, 1-based): chr22:25,835,402, G>A. VCF-style: chr22-25835402-G-A. GRCh37 (hg19) VCF-style: chr22-26231369-G-A.
Other names: c.3170G>A, p.Arg1057His (NM_001318245.2); short protein forms R1056H, R1057H.
Identifiers: ClinVar variation 1416336 (VCV001416336.5), dbSNP rs553630888, ClinGen allele CA10160474.

ClinVar aggregate classification (germline): Uncertain significance (1 of 4 stars; one submission).

Allele frequency attached by ClinVar (database versions not stated): gnomAD 0.00001; TOPMed 0.00001; ExAC 0.00002; gnomAD exomes 0.00002 and 0.00003; 1000 Genomes Project 30x 0.00016; 1000 Genomes Project 0.00020.
gnomAD v4.1: 36 of 1,613,976 alleles (0.0022%); highest among the groups gnomAD compares: South Asian, 0.0044%; no homozygotes.

Submission:

Labcorp Genetics (formerly Invitae), Labcorp
Classification: Uncertain significance. Last evaluated: 2022-08-05. Review status: criteria provided, single submitter. Criteria: Invitae Variant Classification Sherloc (09022015). Collection method: clinical testing. Allele origin: germline.
Comment: In summary, the available evidence is currently insufficient to determine the role of this variant in disease. Therefore, it has been classified as a Variant of Uncertain Significance. Algorithms developed to predict the effect of missense changes on protein structure and function are either unavailable or do not agree on the potential impact of this missense change (SIFT: "Not Available"; PolyPhen-2: "Probably Damaging"; Align-GVGD: "Not Available"). This sequence change replaces arginine, which is basic and polar, with histidine, which is basic and polar, at codon 1056 of the MYO18B protein (p.Arg1056His). This variant is present in population databases (rs553630888, gnomAD 0.01%). This variant has not been reported in the literature in individuals affected with MYO18B-related conditions. ClinVar contains an entry for this variant (Variation ID: 1416336).